The following is an entry in ClinVar:

ClinVar aggregate classification (germline): Likely pathogenic (1 of 4 stars; one submission).

Conditions:
Dilated cardiomyopathy 1G (CMD1G). Identifiers: Orphanet 154, MedGen C1858763, MONDO:0011400, OMIM 604145.
Autosomal recessive limb-girdle muscular dystrophy type 2J (LGMDR10). Also called: MUSCULAR DYSTROPHY, LIMB-GIRDLE, AUTOSOMAL RECESSIVE 10; Limb-girdle muscular dystrophy, type 2J. Identifiers: Orphanet 140922, MedGen C1837342, MONDO:0012127, OMIM 608807.

Submission:

Labcorp Genetics (formerly Invitae), Labcorp
Classification: Likely pathogenic for Dilated cardiomyopathy 1G; Autosomal recessive limb-girdle muscular dystrophy type 2J. Last evaluated: 2023-01-18. Review status: criteria provided, single submitter. Criteria: Invitae Variant Classification Sherloc (09022015). Collection method: clinical testing. Allele origin: germline.
Comment: This variant is located in the A band of TTN (PMID: 25589632). Truncating variants in this region are significantly overrepresented in patients affected with dilated cardiomyopathy (PMID: 25589632). Truncating variants in this region have also been reported in individuals affected with autosomal recessive centronuclear myopathy (PMID: 23975875). In summary, the currently available evidence indicates that the variant is pathogenic, but additional data are needed to prove that conclusively. Therefore, this variant has been classified as Likely Pathogenic. This sequence change creates a premature translational stop signal (p.Gln24692*) in the TTN gene. While this is not anticipated to result in nonsense mediated decay, it is expected to create a truncated TTN protein. This variant is not present in population databases (gnomAD no frequency). This variant has not been reported in the literature in individuals affected with TTN-related conditions.

Literature cited by the submitters: PubMed 25589632; PubMed 23975875.

NM_001267550.2(TTN):c.74074C>T (p.Gln24692Ter)

Genes: TTN (titin; minus strand), TTN-AS1 (TTN antisense RNA 1; plus strand). Cytogenetic location: 2q31.2.
Variant type: single nucleotide variant.
Coding change: c.74074C>T on transcript NM_001267550.2 (MANE Select); coding-DNA position 74074, C replaced by T.
Protein change: p.Gln24692Ter; replaces glutamine 24692 with a stop codon.
Molecular consequence: nonsense.
Genome position (GRCh38, 1-based): chr2:178,572,058, G>A on the plus strand (C>T on the coding strand, the complement: TTN is on the minus strand). VCF-style: chr2-178572058-G-A. GRCh37 (hg19) VCF-style: chr2-179436785-G-A.
Other names: c.69151C>T, p.Gln23051Ter (NM_001256850.1); c.46879C>T, p.Gln15627Ter (NM_003319.4); c.66370C>T, p.Gln22124Ter (NM_133378.4); c.47254C>T, p.Gln15752Ter (NM_133432.3); c.47455C>T, p.Gln15819Ter (NM_133437.4); short protein forms Q15627*, Q22124*, Q23051*, Q24692*, Q15819*, Q15752*.
Identifiers: ClinVar variation 2943073 (VCV002943073.3), dbSNP rs2468519909, ClinGen allele CA349635880.